The following is an entry in ClinVar:

ClinVar aggregate classification (germline): Uncertain significance (1 of 4 stars; one submission).

Conditions:
Hereditary cancer-predisposing syndrome. Also called: Tumor predisposition; Neoplastic Syndromes, Hereditary; Hereditary Cancer Syndrome; Hereditary neoplastic syndrome. Identifiers: Orphanet 140162, MedGen C0027672, MeSH D009386, MONDO:0015356.

Submission:

Ambry Genetics
Classification: Uncertain significance for Hereditary cancer-predisposing syndrome. Last evaluated: 2022-03-18. Review status: criteria provided, single submitter. Criteria: Ambry Variant Classification Scheme 2023. Collection method: clinical testing. Allele origin: germline.
Comment: The p.T104I variant (also known as c.311C>T), located in coding exon 4 of the CDC73 gene, results from a C to T substitution at nucleotide position 311. The threonine at codon 104 is replaced by isoleucine, an amino acid with similar properties. This amino acid position is conserved. In addition, the in silico prediction for this alteration is inconclusive. Since supporting evidence is limited at this time, the clinical significance of this alteration remains unclear.

NM_024529.5(CDC73):c.311C>T (p.Thr104Ile)

Gene: CDC73 (cell division cycle 73; plus strand). Cytogenetic location: 1q31.2.
Variant type: single nucleotide variant.
Coding change: c.311C>T on transcript NM_024529.5 (MANE Select); coding-DNA position 311, C replaced by T.
Protein change: p.Thr104Ile; replaces threonine 104 with isoleucine.
Molecular consequence: missense variant.
Genome position (GRCh38, 1-based): chr1:193,135,394, C>T. VCF-style: chr1-193135394-C-T. GRCh37 (hg19) VCF-style: chr1-193104524-C-T.
Other names: short protein forms T104I.
Identifiers: ClinVar variation 1727840 (VCV001727840.2), dbSNP rs2103121430, ClinGen allele CA343960291.
Genomic context (GRCh38, chr1:193,135,394, plus strand): 5'-ATATCCAATATATATGTTGAAATAGTAATCCTTACGTGAATCTTTTTATGTCTTCAGCAA[C>T]ATCGGCAAGTATAGACAGAAGCGCTCCCTTAGAAATAGGTCTTCAGCGATCTACTCAAGG-3'
Protein context (NP_078805.3, residues 94-114): LLGYLNGEAS[Thr104Ile]SASIDRSAPL